The following is an entry in ClinVar:

NM_183357.3(ADCY5):c.2908T>C (p.Phe970Leu)

Gene: ADCY5 (adenylate cyclase 5; minus strand). Cytogenetic location: 3q21.1.
Variant type: single nucleotide variant.
Coding change: c.2908T>C on transcript NM_183357.3 (MANE Select); coding-DNA position 2908, T replaced by C.
Protein change: p.Phe970Leu; replaces phenylalanine 970 with leucine.
Molecular consequence: missense variant.
Genome position (GRCh38, 1-based): chr3:123,297,375, A>G on the plus strand (T>C on the coding strand, the complement: ADCY5 is on the minus strand). VCF-style: chr3-123297375-A-G. GRCh37 (hg19) VCF-style: chr3-123016222-A-G.
Other names: c.1858T>C, p.Phe620Leu (NM_001199642.1); c.2908T>C, p.Phe970Leu (NM_001378259.1); short protein forms F620L, F970L.
Identifiers: ClinVar variation 1879588 (VCV001879588.29), dbSNP rs2472666740, ClinGen allele CA354224531.

ClinVar aggregate classification (germline): Uncertain significance (1 of 4 stars; one submission).

Allele frequency attached by ClinVar (database versions not stated): gnomAD exomes below 0.00001.
gnomAD v4.1: 1 of 1,613,978 alleles (0.000062%); highest among the groups gnomAD compares: Non-Finnish European, 0.000085%; no homozygotes.

Submission:

CeGaT Center for Human Genetics Tuebingen
Classification: Uncertain significance. Last evaluated: 2022-11-01. Review status: criteria provided, single submitter. Criteria: CeGaT Center For Human Genetics Tuebingen Variant Classification Criteria Version 2. Collection method: clinical testing. Allele origin: germline. Affected: yes. Observed: 1 variant allele.
Comment: ADCY5: PM2, PP2, BP4